The following is an entry in ClinVar:

NM_001429.4(EP300):c.5639C>T (p.Pro1880Leu)

Gene: EP300 (EP300 lysine acetyltransferase; plus strand). Cytogenetic location: 22q13.2.
Variant type: single nucleotide variant.
Coding change: c.5639C>T on transcript NM_001429.4 (MANE Select); coding-DNA position 5639, C replaced by T.
Protein change: p.Pro1880Leu; replaces proline 1880 with leucine.
Molecular consequence: missense variant.
Genome position (GRCh38, 1-based): chr22:41,177,350, C>T. VCF-style: chr22-41177350-C-T. GRCh37 (hg19) VCF-style: chr22-41573354-C-T.
Other names: c.5561C>T, p.Pro1854Leu (NM_001362843.2); short protein forms P1854L, P1880L.
Identifiers: ClinVar variation 4282125 (VCV004282125.1).

ClinVar aggregate classification (germline): Uncertain significance (1 of 4 stars; one submission).

Submission:

GeneDx
Classification: Uncertain significance. Last evaluated: 2025-04-16. Review status: criteria provided, single submitter. Criteria: GeneDx Variant Classification Process June 2021. Collection method: clinical testing. Allele origin: germline. Affected: yes.
Comment: Not observed at significant frequency in large population cohorts (gnomAD); In silico analysis supports that this missense variant has a deleterious effect on protein structure/function; Has not been previously published as pathogenic or benign to our knowledge